The following is an entry in ClinVar:

ClinVar aggregate classification (germline): Likely benign (0 of 4 stars; one submission).

Conditions:
ADCY3-related disorder. Also called: ADCY3-related condition.

Submission:

PreventionGenetics, part of Exact Sciences
Classification: Likely benign for ADCY3-related condition. Last evaluated: 2023-11-01. Review status: no assertion criteria provided. Collection method: clinical testing. Allele origin: germline.
Comment: This variant is classified as likely benign based on ACMG/AMP sequence variant interpretation guidelines (Richards et al. 2015 PMID: 25741868, with internal and published modifications).

NM_004036.5(ADCY3):c.676-6G>A

Gene: ADCY3 (adenylate cyclase 3; minus strand). Cytogenetic location: 2p23.3.
Variant type: single nucleotide variant.
Coding change: c.676-6G>A on transcript NM_004036.5 (MANE Select); 6 bases into the intron before coding-DNA position 676, G replaced by A.
Molecular consequence: intron variant.
Genome position (GRCh38, 1-based): chr2:24,872,725, C>T on the plus strand (G>A on the coding strand, the complement: ADCY3 is on the minus strand). VCF-style: chr2-24872725-C-T. GRCh37 (hg19) VCF-style: chr2-25095594-C-T.
Other names: c.676-6G>A (NM_001377130.1, NM_001377129.1, NM_001320613.2 and 2 more transcripts); c.-48-6G>A (NM_001377131.1).
Identifiers: ClinVar variation 3348713 (VCV003348713.1).